The following is an entry in ClinVar:

ClinVar aggregate classification (germline): Benign/Likely benign. Review status: criteria provided, multiple submitters, no conflicts (2 of 4 stars). 16 submissions from 14 submitters: Benign (10); Likely benign (2). 4 of the submissions do not count toward it. Last evaluated 2024-11-27.

Conditions:
Muscular dystrophy-dystroglycanopathy (congenital with brain and eye anomalies), type A1 (MDDGA1). Also called: COD-MD SYNDROME; WALKER-WARBURG SYNDROME OR MUSCLE-EYE-BRAIN DISEASE, POMT1-RELATED; Hydrocephalus, agyria and retinal dysplasia; Hard +/- E syndrome; Warburg syndrome; Chemke syndrome. Identifiers: Orphanet 588, Orphanet 899, MedGen C4284790, MONDO:0009364, OMIM 236670.
Autosomal recessive limb-girdle muscular dystrophy type 2K. Also called: MUSCULAR DYSTROPHY, LIMB-GIRDLE, TYPE 2K; MUSCULAR DYSTROPHY-DYSTROGLYCANOPATHY (LIMB-GIRDLE), TYPE C, 1. Identifiers: Orphanet 86812, MedGen C1836373, MONDO:0012248, OMIM 609308.
Muscular dystrophy-dystroglycanopathy (congenital with impaired intellectual development), type B, 1. Also called: Muscular dystrophy-dystroglycanopathy (congenital with intellectual disability), type B1; MUSCULAR DYSTROPHY, CONGENITAL, POMT1-RELATED. Identifiers: MedGen C5436962, MONDO:0013159, OMIM 613155.

Allele frequency attached by ClinVar (database versions not stated): 1000 Genomes Project 0.07867; 1000 Genomes Project 30x 0.08385; ESP Exome Variant Server 0.09734; gnomAD exomes 0.10150 and 0.12080; ExAC 0.10348; TOPMed 0.11046; gnomAD 0.11757 and 0.12205.
gnomAD v4.1: 193,857 of 1,613,992 alleles (12%); highest among the groups gnomAD compares: Non-Finnish European, 13%; 12,650 homozygotes.

Submissions (16):

Blueprint Genetics
Classification: Benign. Last evaluated: 2024-11-27. Review status: criteria provided, single submitter. Criteria: ACMG Guidelines, 2015. Collection method: clinical testing. Allele origin: germline.

Women's Health and Genetics/Laboratory Corporation of America, LabCorp
Classification: Benign. Last evaluated: 2021-12-19. Review status: criteria provided, single submitter. Criteria: LabCorp Variant Classification Summary - May 2015. Collection method: clinical testing. Allele origin: germline.
Comment: Variant summary: POMT1 c.751C>T (p.Gln251X) results in a premature termination codon. The variant allele was found at a frequency of 0.1 in 251118 control chromosomes in the gnomAD database, including 1602 homozygotes. The observed variant frequency is approximately 140.65 fold of the estimated maximal expected allele frequency for a pathogenic variant in POMT1 causing Limb-Girdle Muscular Dystrophy, Autosomal Recessive phenotype (0.00072), strongly suggesting that the variant is benign. Five clinical diagnostic laboratories have submitted clinical-significance assessments for this variant to ClinVar after 2014 without evidence for independent evaluation. All laboratories classified the variant as benign/likely benign. Based on the evidence outlined above, the variant was classified as benign.

Genome-Nilou Lab
Classification: Benign for Muscular dystrophy-dystroglycanopathy (congenital with brain and eye anomalies), type A1. Last evaluated: 2021-10-25. Review status: criteria provided, single submitter. Criteria: ACMG Guidelines, 2015. Collection method: clinical testing. Allele origin: germline. Affected: no.

Genome-Nilou Lab
Classification: Benign for Muscular dystrophy-dystroglycanopathy (congenital with impaired intellectual development), type B, 1. Last evaluated: 2021-10-25. Review status: criteria provided, single submitter. Criteria: ACMG Guidelines, 2015. Collection method: clinical testing. Allele origin: germline. Affected: no.

Genome-Nilou Lab
Classification: Benign for Autosomal recessive limb-girdle muscular dystrophy type 2K. Last evaluated: 2021-10-25. Review status: criteria provided, single submitter. Criteria: ACMG Guidelines, 2015. Collection method: clinical testing. Allele origin: germline. Affected: no.

Illumina Laboratory Services, Illumina
Classification: Likely benign for Autosomal recessive limb-girdle muscular dystrophy type 2K. Last evaluated: 2017-04-27. Review status: criteria provided, single submitter. Criteria: ICSL Variant Classification Criteria 13 December 2019. Collection method: clinical testing. Allele origin: germline.
Comment: This variant was observed as part of a predisposition screen in an ostensibly healthy population. A literature search was performed for the gene, cDNA change, and amino acid change (where applicable). No publications were found based on this search. Allele frequency data from public databases allowed determination this variant is unlikely to cause disease. Therefore, this variant is classified as likely benign.

Athena Diagnostics
Classification: Benign. Last evaluated: 2017-04-14. Review status: criteria provided, single submitter. Criteria: Athena Diagnostics Criteria. Collection method: clinical testing. Allele origin: germline.

Laboratory for Molecular Medicine, Mass General Brigham Personalized Medicine
Classification: Benign. Last evaluated: 2015-04-28. Review status: criteria provided, single submitter. Criteria: LMM Criteria. Collection method: clinical testing. Allele origin: germline. Observed: 2 variant alleles.
Comment: p.Gln251Trp in exon 8 of POMT1: This variant is not expected to have clinical si gnificance because it has been identified in at least 8.8% (10687/121366) of chr omosomes from multiple diverse populations by the Exome Aggregation Consortium ( ExAC).

GeneDx
Classification: Benign. Last evaluated: 2013-12-19. Review status: criteria provided, single submitter. Criteria: GeneDx Variant Classification (06012015). Collection method: clinical testing. Allele origin: germline. Affected: yes.
Comment: This variant is considered likely benign or benign based on one or more of the following criteria: it is a conservative change, it occurs at a poorly conserved position in the protein, it is predicted to be benign by multiple in silico algorithms, and/or has population frequency not consistent with disease.

Eurofins Ntd Llc (ga)
Classification: Benign. Last evaluated: 2012-07-24. Review status: criteria provided, single submitter. Criteria: EGL Classification Definitions 2015. Collection method: clinical testing. Allele origin: germline. Observed: 5 variant alleles, 4 heterozygotes, 1 homozygote.

Breakthrough Genomics
Classification: Likely benign. Review status: criteria provided, single submitter. Criteria: ACMG Guidelines, 2015. Collection method: not provided. Allele origin: germline. Inheritance: Autosomal recessive inheritance. Affected: yes.

PreventionGenetics, part of Exact Sciences
Classification: Benign. Review status: criteria provided, single submitter. Criteria: ACMG Guidelines, 2015. Collection method: clinical testing. Allele origin: germline.

Clinical Genetics DNA and cytogenetics Diagnostics Lab, Erasmus MC, Erasmus Medical Center
Classification: Benign. Review status: no assertion criteria provided. Collection method: clinical testing. Allele origin: germline. Affected: yes. Study: VKGL Data-share Consensus. Not counted in ClinVar's aggregate classification.

Clinical Genetics, Academic Medical Center
Classification: Likely benign. Review status: no assertion criteria provided. Collection method: clinical testing. Allele origin: germline. Affected: yes. Study: VKGL Data-share Consensus. Not counted in ClinVar's aggregate classification.

Genetic Services Laboratory, University of Chicago
Classification: Likely benign for AllHighlyPenetrant. Review status: no assertion criteria provided. Collection method: clinical testing. Allele origin: germline. Inheritance: Autosomal recessive inheritance. Not counted in ClinVar's aggregate classification.
Comment: Likely benign based on allele frequency in 1000 Genomes Project or ESP global frequency and its presence in a patient with a rare or unrelated disease phenotype. NOT Sanger confirmed.

Joint Genome Diagnostic Labs from Nijmegen and Maastricht, Radboudumc and MUMC+
Classification: Benign. Review status: no assertion criteria provided. Collection method: clinical testing. Allele origin: germline. Affected: yes. Study: VKGL Data-share Consensus. Not counted in ClinVar's aggregate classification.

NM_001077365.2(POMT1):c.699+52C>T

Gene: POMT1 (protein O-mannosyltransferase 1; plus strand). Cytogenetic location: 9q34.13.
Variant type: single nucleotide variant.
Coding change: c.699+52C>T on transcript NM_001077365.2 (MANE Select); 52 bases into the intron after coding-DNA position 699, C replaced by T.
Molecular consequence: intron variant. On other transcripts: nonsense (7), non-coding transcript variant (1).
Genome position (GRCh38, 1-based): chr9:131,510,048, C>T. VCF-style: chr9-131510048-C-T. GRCh37 (hg19) VCF-style: chr9-134385435-C-T.
Other names: p.R251W:CGG>TGG; c.751C>T, p.Gln251Ter (NM_001353193.2, NM_007171.4); c.589C>T, p.Gln197Ter (NM_001353197.2, NM_001353198.2, NM_001374689.1); c.400C>T, p.Gln134Ter (NM_001353199.2); c.295C>T, p.Gln99Ter (NM_001374695.1); c.699+52C>T (NM_001136113.2, NM_001374690.1); c.537+52C>T (NM_001353194.2, NM_001077366.2, NM_001374693.1); c.348+52C>T (NM_001374691.1, NM_001353195.2, NM_001374692.1 and 1 more transcripts); and 2 more; short protein forms Q197*, Q134*, Q251*, Q99*.
Identifiers: ClinVar variation 95466 (VCV000095466.26), dbSNP rs3887873, ClinGen allele CA148555.